The following is an entry in ClinVar:

ClinVar aggregate classification (germline): Uncertain significance (1 of 4 stars; one submission).

Conditions:
Paget disease of bone 2, early-onset (PDB2). Also called: Paget disease of bone 2. Identifiers: MedGen C4085251, MONDO:0011183, OMIM 602080.
Frontotemporal dementia and/or amyotrophic lateral sclerosis 1 (FTDALS1). Also called: C9orf72 Frontotemporal Dementia and/or Amyotrophic Lateral Sclerosis; Frontotemporal dementia with motor neuron disease 1. Identifiers: Orphanet 275872, MedGen C5779877, MONDO:0007105, OMIM 105550.

Submission:

Labcorp Genetics (formerly Invitae), Labcorp
Classification: Uncertain significance for Paget disease of bone 2, early-onset; Frontotemporal dementia and/or amyotrophic lateral sclerosis 1. Last evaluated: 2022-12-15. Review status: criteria provided, single submitter. Criteria: Invitae Variant Classification Sherloc (09022015). Collection method: clinical testing. Allele origin: germline.
Comment: Advanced modeling of protein sequence and biophysical properties (such as structural, functional, and spatial information, amino acid conservation, physicochemical variation, residue mobility, and thermodynamic stability) performed at Invitae indicates that this missense variant is not expected to disrupt SQSTM1 protein function. In summary, the available evidence is currently insufficient to determine the role of this variant in disease. Therefore, it has been classified as a Variant of Uncertain Significance. This variant has not been reported in the literature in individuals affected with SQSTM1-related conditions. This sequence change replaces glycine, which is neutral and non-polar, with arginine, which is basic and polar, at codon 297 of the SQSTM1 protein (p.Gly297Arg). This variant is not present in population databases (gnomAD no frequency).

NM_003900.5(SQSTM1):c.889G>C (p.Gly297Arg)

Gene: SQSTM1 (sequestosome 1; plus strand). Cytogenetic location: 5q35.3.
Variant type: single nucleotide variant.
Coding change: c.889G>C on transcript NM_003900.5 (MANE Select); coding-DNA position 889, G replaced by C.
Protein change: p.Gly297Arg; replaces glycine 297 with arginine.
Molecular consequence: missense variant.
Genome position (GRCh38, 1-based): chr5:179,833,166, G>C. VCF-style: chr5-179833166-G-C. GRCh37 (hg19) VCF-style: chr5-179260166-G-C.
Other names: c.637G>C, p.Gly213Arg (NM_001142298.2, NM_001142299.2); short protein forms G297R, G213R.
Identifiers: ClinVar variation 2937519 (VCV002937519.3), dbSNP rs1032321703, ClinGen allele CA362451599.
Genomic context (GRCh38, chr5:179,833,166, plus strand): 5'-AGCACAGAGGAGAAGAGCAGCTCACAGCCAAGCAGCTGCTGCTCTGACCCCAGCAAGCCG[G>C]GTGGGAATGTTGAGGGCGCCACGCAGTCTCTGGCGGAGCAGATGAGGAAGATCGCCTTGG-3'
Protein context (NP_003891.1, residues 287-307): SSCCSDPSKP[Gly297Arg]GNVEGATQSL